The following is an entry in ClinVar:

ClinVar aggregate classification (germline): Uncertain significance (1 of 4 stars; one submission).

Submission:

CeGaT Center for Human Genetics Tuebingen
Classification: Uncertain significance. Last evaluated: 2026-06-01. Review status: criteria provided, single submitter. Criteria: CeGaT Center For Human Genetics Tuebingen Variant Classification Criteria Version 2. Collection method: clinical testing. Allele origin: germline. Affected: yes. Observed: 1 variant allele.
Comment: EP300: PM2, BP4

NM_001429.4(EP300):c.6377C>G (p.Ser2126Cys)

Gene: EP300 (EP300 lysine acetyltransferase; plus strand). Cytogenetic location: 22q13.2.
Variant type: single nucleotide variant.
Coding change: c.6377C>G on transcript NM_001429.4 (MANE Select); coding-DNA position 6377, C replaced by G.
Protein change: p.Ser2126Cys; replaces serine 2126 with cysteine.
Molecular consequence: missense variant.
Genome position (GRCh38, 1-based): chr22:41,178,088, C>G. VCF-style: chr22-41178088-C-G. GRCh37 (hg19) VCF-style: chr22-41574092-C-G.
Other names: c.6299C>G, p.Ser2100Cys (NM_001362843.2); short protein forms S2100C, S2126C.
Identifiers: ClinVar variation 4875198 (VCV004875198.2).